The following is an entry in ClinVar:

NM_000138.5(FBN1):c.4943-15C>A

Gene: FBN1 (fibrillin 1; minus strand). Cytogenetic location: 15q21.1.
Variant type: single nucleotide variant.
Coding change: c.4943-15C>A on transcript NM_000138.5 (MANE Select); 15 bases into the intron before coding-DNA position 4943, C replaced by A.
Molecular consequence: intron variant.
Genome position (GRCh38, 1-based): chr15:48,464,036, G>T on the plus strand (C>A on the coding strand, the complement: FBN1 is on the minus strand). VCF-style: chr15-48464036-G-T. GRCh37 (hg19) VCF-style: chr15-48756233-G-T.
Other names: c.4943-15C>A (NM_001406716.1).
Identifiers: ClinVar variation 2937228 (VCV002937228.4), dbSNP rs2505493582, ClinGen allele CA2740096584.

ClinVar aggregate classification (germline): Conflicting classifications of pathogenicity. Review status: criteria provided, conflicting classifications (1 of 4 stars). 2 submissions from 2 submitters: Uncertain significance (1); Likely benign (1). Last evaluated 2024-12-30.

Conditions:
Marfan syndrome (MFS). Also called: MARFAN SYNDROME, TYPE I; Marfan syndrome type 1; Marfan's syndrome; Marfan syndrome, classic; FBN1-Related Marfan Syndrome. Identifiers: Orphanet 284963, Orphanet 558, MedGen C0024796, MONDO:0007947, OMIM 154700.
Familial thoracic aortic aneurysm and aortic dissection (TAAD). Also called: Thoracic aortic aneurysms and dissections. Identifiers: Orphanet 91387, MedGen C4707243, MONDO:0019625.

Submissions (2):

Labcorp Genetics (formerly Invitae), Labcorp
Classification: Likely benign for Marfan syndrome; Familial thoracic aortic aneurysm and aortic dissection. Last evaluated: 2024-12-30. Review status: criteria provided, single submitter. Criteria: Invitae Variant Classification Sherloc (09022015). Collection method: clinical testing. Allele origin: germline.

All of Us Research Program, National Institutes of Health
Classification: Uncertain significance for Marfan syndrome. Last evaluated: 2023-06-26. Review status: criteria provided, single submitter. Criteria: ACMG Guidelines, 2015. Collection method: clinical testing. Allele origin: germline. Inheritance: Autosomal dominant inheritance. Observed: 1 variant allele, 1 heterozygote.
Comment: This variant causes a C to A nucleotide substitution at the -15 position of intron 40 of the FBN1 gene. To our knowledge, functional studies have not been reported for this variant. This variant has not been reported in individuals affected with FBN1-related disorders in the literature. This variant has not been identified in the general population by the Genome Aggregation Database (gnomAD). The available evidence is insufficient to determine the role of this variant in disease conclusively. Therefore, this variant is classified as a Variant of Uncertain Significance.

This study involves interpretation of variants in research participants for the purpose of population health screening. Participant phenotype was not available at the time of variant classification. Additional details can be found in publication PMID: 35346344, PMCID: PMC8962531